The following is an entry in ClinVar:

NM_001365536.1(SCN9A):c.413C>G (p.Thr138Arg)

Gene: SCN9A (sodium voltage-gated channel alpha subunit 9; minus strand). Cytogenetic location: 2q24.3.
Variant type: single nucleotide variant.
Coding change: c.413C>G on transcript NM_001365536.1 (MANE Select); coding-DNA position 413, C replaced by G.
Protein change: p.Thr138Arg; replaces threonine 138 with arginine.
Molecular consequence: missense variant.
Genome position (GRCh38, 1-based): chr2:166,306,564, G>C on the plus strand (C>G on the coding strand, the complement: SCN9A is on the minus strand). VCF-style: chr2-166306564-G-C. GRCh37 (hg19) VCF-style: chr2-167163074-G-C.
Other names: c.413C>G, p.Thr138Arg (NM_002977.4); short protein forms T138R.
Identifiers: ClinVar variation 4793405 (VCV004793405.1).
Genomic context (GRCh38, chr2:166,306,564, plus strand): 5'-ACTTACTCGACATTTTTGGTCCAGTCCGGTGGGTTATTCATGGTCATAAATATGCAGTTT[G>C]TCAGAATAGTGCACATGATGAGCATGCTGAATAAGGTAGCTTAGAATCAAGGAACAAAAG-3'
Protein context (NP_001352465.1, residues 128-148): FSMLIMCTIL[Thr138Arg]NCIFMTMNNP

ClinVar aggregate classification (germline): Uncertain significance (1 of 4 stars; one submission).

Conditions:
Neuropathy, hereditary sensory and autonomic, type 2A (HSAN2A). Also called: HSAN IIA; WNK1-Related HSAN2 (HSAN2A); MORVAN DISEASE; NEUROPATHY, CONGENITAL SENSORY; NEUROPATHY, HEREDITARY SENSORY RADICULAR, AUTOSOMAL RECESSIVE; NEUROPATHY, HEREDITARY SENSORY, TYPE IIA. Identifiers: Orphanet 970, MedGen C2752089, MONDO:0024309, OMIM 201300.
Generalized epilepsy with febrile seizures plus, type 7 (GEFSP7). Also called: GEFS+, TYPE 7. Identifiers: Orphanet 36387, MedGen C2751778, MONDO:0013470, OMIM 613863.

Submission:

Labcorp Genetics (formerly Invitae), Labcorp
Classification: Uncertain significance for Neuropathy, hereditary sensory and autonomic, type 2A; Generalized epilepsy with febrile seizures plus, type 7. Last evaluated: 2025-03-23. Review status: criteria provided, single submitter. Criteria: Invitae Variant Classification Sherloc (09022015). Collection method: clinical testing. Allele origin: germline.
Comment: This sequence change replaces threonine, which is neutral and polar, with arginine, which is basic and polar, at codon 138 of the SCN9A protein (p.Thr138Arg). This variant is not present in population databases (gnomAD no frequency). This variant has not been reported in the literature in individuals affected with SCN9A-related conditions. Invitae Evidence Modeling of protein sequence and biophysical properties (such as structural, functional, and spatial information, amino acid conservation, physicochemical variation, residue mobility, and thermodynamic stability) indicates that this missense variant is not expected to disrupt SCN9A protein function with a negative predictive value of 80%. In summary, the available evidence is currently insufficient to determine the role of this variant in disease. Therefore, it has been classified as a Variant of Uncertain Significance.